The following is an entry in ClinVar:

NM_001369.3(DNAH5):c.8951+2T>C

Gene: DNAH5 (dynein axonemal heavy chain 5; minus strand). Cytogenetic location: 5p15.2.
Variant type: single nucleotide variant.
Coding change: c.8951+2T>C on transcript NM_001369.3 (MANE Select); the canonical splice donor site of the intron after coding-DNA position 8951, T replaced by C.
Molecular consequence: splice donor variant.
Genome position (GRCh38, 1-based): chr5:13,780,827, A>G on the plus strand (T>C on the coding strand, the complement: DNAH5 is on the minus strand). VCF-style: chr5-13780827-A-G. GRCh37 (hg19) VCF-style: chr5-13780936-A-G.
Identifiers: ClinVar variation 4814920 (VCV004814920.1).
Genomic context (GRCh38, chr5:13,780,827, plus strand): 5'-GTGGCCTCTGAGCACCTTTTATCAAAATCCATGTTAGGTTTGTTAAAGTAAAAGGTTGTC[A>G]CCTCGTCAGAGTGATCTGGAAGGAAACGTAGCCAGCAATGAATGAAGCCAACCTCGTCAG-3'

ClinVar aggregate classification (germline): Likely pathogenic (1 of 4 stars; one submission).

Conditions:
Primary ciliary dyskinesia. Also called: Ciliary dyskinesia. Identifiers: Orphanet 244, MedGen C0008780, MONDO:0016575, HP:0012265.

Submission:

Natera, Inc.
Classification: Likely pathogenic for Primary ciliary dyskinesia. Last evaluated: 2024-12-30. Review status: criteria provided, single submitter. Criteria: Natera Variant Classification Schema (03/2026). Collection method: clinical testing. Allele origin: germline.
Comment: The c.8951+2T>C variant in DNAH5 is a canonical splice donor site variant predicted to affect pre-mRNA splicing, which may result in an abnormal transcript and altered protein product. This variant is expected to result in nonsense mediated decay, truncation, or a dysfunctional protein product. This variant is rare in the general population with a frequency below the threshold expected for the associated phenotype(s). Given the available evidence, this variant is classified as Likely Pathogenic.